The following is an entry in ClinVar:

ClinVar aggregate classification (germline): Likely pathogenic (1 of 4 stars; one submission).

Conditions:
Spondylocostal dysostosis 2, autosomal recessive (SCDO2). Also called: MESP2-Related Spondylocostal Dysostosis, Autosomal Recessive; Spondylocostal dysostosis type 2. Identifiers: Orphanet 2311, MedGen C1837549, MONDO:0012097, OMIM 608681.

Submission:

Natera, Inc.
Classification: Likely pathogenic for Spondylocostal dysostosis type 2. Last evaluated: 2025-10-17. Review status: criteria provided, single submitter. Criteria: Natera Variant Classification Schema (03/2026). Collection method: clinical testing. Allele origin: germline.
Comment: The c.22C>T variant in MESP2 is a nonsense variant predicted to introduce a stop codon at amino acid 8. This variant is expected to result in nonsense mediated decay, truncation, or a dysfunctional protein product. This variant is rare in the general population with a frequency below the threshold expected for the associated phenotype(s). Given the available evidence, this variant is classified as Likely Pathogenic.

NM_001039958.2(MESP2):c.22C>T (p.Gln8Ter)

Gene: MESP2 (mesoderm posterior bHLH transcription factor 2; plus strand). Cytogenetic location: 15q26.1.
Variant type: single nucleotide variant.
Coding change: c.22C>T on transcript NM_001039958.2 (MANE Select); coding-DNA position 22, C replaced by T.
Protein change: p.Gln8Ter; replaces glutamine 8 with a stop codon.
Molecular consequence: nonsense.
Genome position (GRCh38, 1-based): chr15:89,776,379, C>T. VCF-style: chr15-89776379-C-T. GRCh37 (hg19) VCF-style: chr15-90319610-C-T.
Other names: short protein forms Q8*.
Identifiers: ClinVar variation 4814562 (VCV004814562.1).